The following is an entry in ClinVar:

ClinVar aggregate classification (germline): Uncertain significance (1 of 4 stars; one submission).

Submission:

Labcorp Genetics (formerly Invitae), Labcorp
Classification: Uncertain significance. Last evaluated: 2024-02-17. Review status: criteria provided, single submitter. Criteria: Invitae Variant Classification Sherloc (09022015). Collection method: clinical testing. Allele origin: germline.
Comment: This sequence change replaces arginine, which is basic and polar, with leucine, which is neutral and non-polar, at codon 11 of the POLR1C protein (p.Arg11Leu). Information on the frequency of this variant in the gnomAD database is not available, as this variant may be reported differently in the database. This variant has not been reported in the literature in individuals affected with POLR1C-related conditions. An algorithm developed to predict the effect of missense changes on protein structure and function (PolyPhen-2) suggests that this variant is likely to be disruptive. In summary, the available evidence is currently insufficient to determine the role of this variant in disease. Therefore, it has been classified as a Variant of Uncertain Significance.

NM_203290.4(POLR1C):c.32_33delinsTT (p.Arg11Leu)

Genes: POLR1C (RNA polymerase I and III subunit C; plus strand), LOC129996517 (ATAC-STARR-seq lymphoblastoid active region 24602; plus strand). Cytogenetic location: 6p21.1.
Variant type: Indel.
Coding change: c.32_33delinsTT on transcript NM_203290.4 (MANE Select); coding-DNA positions 32 to 33, GG replaced by TT.
Protein change: p.Arg11Leu; replaces arginine 11 with leucine.
Molecular consequence: missense variant.
Genome position (GRCh38, 1-based): chr6:43,517,141-43,517,142, GG replaced by TT. VCF-style: chr6-43517141-GG-TT. GRCh37 (hg19) VCF-style: chr6-43484879-GG-TT.
Other names: c.32_33delinsTT, p.Arg11Leu (NM_001318876.2, NM_001363658.2); short protein forms R11L.
Identifiers: ClinVar variation 3606778 (VCV003606778.2).